The following is an entry in ClinVar:

ClinVar aggregate classification (germline): Uncertain significance (1 of 4 stars; one submission).

Conditions:
Hereditary cancer-predisposing syndrome. Also called: Tumor predisposition; Hereditary neoplastic syndrome; Hereditary Cancer Syndrome; Neoplastic Syndromes, Hereditary. Identifiers: Orphanet 140162, MedGen C0027672, MeSH D009386, MONDO:0015356.

Submission:

Ambry Genetics
Classification: Uncertain significance for Hereditary cancer-predisposing syndrome. Last evaluated: 2025-04-17. Review status: criteria provided, single submitter. Criteria: Ambry Variant Classification Scheme 2023. Collection method: clinical testing. Allele origin: germline.
Comment: The p.F859L variant (also known as c.2577T>A), located in coding exon 16 of the PTCH1 gene, results from a T to A substitution at nucleotide position 2577. The phenylalanine at codon 859 is replaced by leucine, an amino acid with highly similar properties. This amino acid position is conserved. In addition, this alteration is predicted to be deleterious by in silico analysis. Based on the available evidence, the clinical significance of this variant remains unclear.

NM_000264.5(PTCH1):c.2577T>A (p.Phe859Leu)

Gene: PTCH1 (patched 1; minus strand). Cytogenetic location: 9q22.32.
Variant type: single nucleotide variant.
Coding change: c.2577T>A on transcript NM_000264.5 (MANE Select); coding-DNA position 2577, T replaced by A.
Protein change: p.Phe859Leu; replaces phenylalanine 859 with leucine.
Molecular consequence: missense variant. On other transcripts: non-coding transcript variant (1).
Genome position (GRCh38, 1-based): chr9:95,461,982, A>T on the plus strand (T>A on the coding strand, the complement: PTCH1 is on the minus strand). VCF-style: chr9-95461982-A-T. GRCh37 (hg19) VCF-style: chr9-98224264-A-T.
Other names: c.2379T>A, p.Phe793Leu (NM_001083602.3); c.2574T>A, p.Phe858Leu (NM_001083603.3); c.2124T>A, p.Phe708Leu (NM_001083604.3, NM_001083605.3, NM_001083606.3 and 1 more transcripts); c.2421T>A, p.Phe807Leu (NM_001354918.2); short protein forms F807L, F708L, F859L, F793L, F858L.
Identifiers: ClinVar variation 3939952 (VCV003939952.1).